The following is an entry in ClinVar:

ClinVar aggregate classification (germline): Uncertain significance (1 of 4 stars; one submission).

Conditions:
Hereditary cancer-predisposing syndrome. Also called: Neoplastic Syndromes, Hereditary; Tumor predisposition; Hereditary Cancer Syndrome; Hereditary neoplastic syndrome. Identifiers: Orphanet 140162, MedGen C0027672, MeSH D009386, MONDO:0015356.

Submission:

Ambry Genetics
Classification: Uncertain significance for Hereditary cancer-predisposing syndrome. Last evaluated: 2026-03-30. Review status: criteria provided, single submitter. Criteria: Ambry Variant Classification Scheme 2023. Collection method: clinical testing. Allele origin: germline.
Comment: The p.A306E variant (also known as c.917C>A), located in coding exon 2 of the AXIN2 gene, results from a C to A substitution at nucleotide position 917. The alanine at codon 306 is replaced by glutamic acid, an amino acid with dissimilar properties. This amino acid position is highly conserved in available vertebrate species. In addition, this alteration is predicted to be deleterious by in silico analysis. Based on the available evidence, the clinical significance of this variant remains unclear.

NM_004655.4(AXIN2):c.917C>A (p.Ala306Glu)

Gene: AXIN2 (axin 2; minus strand). Cytogenetic location: 17q24.1.
Variant type: single nucleotide variant.
Coding change: c.917C>A on transcript NM_004655.4 (MANE Select); coding-DNA position 917, C replaced by A.
Protein change: p.Ala306Glu; replaces alanine 306 with glutamic acid.
Molecular consequence: missense variant.
Genome position (GRCh38, 1-based): chr17:65,549,559, G>T on the plus strand (C>A on the coding strand, the complement: AXIN2 is on the minus strand). VCF-style: chr17-65549559-G-T. GRCh37 (hg19) VCF-style: chr17-63545677-G-T.
Other names: c.917C>A, p.Ala306Glu (NM_001363813.1); short protein forms A306E.
Identifiers: ClinVar variation 4867292 (VCV004867292.1).
Genomic context (GRCh38, chr17:65,549,559, plus strand): 5'-AAGGGTGGCCAGGATACTCACACACTGCTGTCCGTCATGGACATGGAATCATCCGTCAGC[G>T]CATCACTGGATATCTCACTGTCGTTGGCGCTGGTGGCTGGTGCAAAGACATAGCCAGAAC-3'
Protein context (NP_004646.3, residues 296-316): SANDSEISSD[Ala306Glu]LTDDSMSMTD